The following is an entry in ClinVar:

ClinVar aggregate classification (germline): Uncertain significance. Review status: criteria provided, multiple submitters, no conflicts (2 of 4 stars). 2 submissions from 2 submitters: Uncertain significance (2). Last evaluated 2024-05-16.

Conditions:
Hemochromatosis type 4 (HFE4). Also called: HEMOCHROMATOSIS DUE TO DEFECT IN FERROPORTIN; HEMOCHROMATOSIS, AUTOSOMAL DOMINANT; Ferroportin disease. Identifiers: Orphanet 139491, Orphanet 647834, Orphanet 648562, MedGen C1853733, MONDO:0011631, OMIM 606069.

Allele frequency attached by ClinVar (database versions not stated): gnomAD 0.00001; gnomAD exomes 0.00001 and 0.00002; TOPMed 0.00002; ExAC 0.00004.
gnomAD v4.1: 22 of 1,608,332 alleles (0.0014%); highest among the groups gnomAD compares: East Asian, 0.0045%; no homozygotes.

Submissions (2):

Labcorp Genetics (formerly Invitae), Labcorp
Classification: Uncertain significance for Hemochromatosis type 4. Last evaluated: 2024-05-16. Review status: criteria provided, single submitter. Criteria: Invitae Variant Classification Sherloc (09022015). Collection method: clinical testing. Allele origin: germline.
Comment: This sequence change replaces arginine, which is basic and polar, with glutamine, which is neutral and polar, at codon 296 of the SLC40A1 protein (p.Arg296Gln). This variant is present in population databases (rs772246537, gnomAD 0.004%). This missense change has been observed in individual(s) with hemochromatosis (PMID: 29154924). ClinVar contains an entry for this variant (Variation ID: 1677049). Advanced modeling of protein sequence and biophysical properties (such as structural, functional, and spatial information, amino acid conservation, physicochemical variation, residue mobility, and thermodynamic stability) performed at Invitae indicates that this missense variant is not expected to disrupt SLC40A1 protein function with a negative predictive value of 80%. Experimental studies have shown that this missense change affects SLC40A1 function (PMID: 29154924). In summary, the available evidence is currently insufficient to determine the role of this variant in disease. Therefore, it has been classified as a Variant of Uncertain Significance.

Women's Health and Genetics/Laboratory Corporation of America, LabCorp
Classification: Uncertain significance. Last evaluated: 2022-03-08. Review status: criteria provided, single submitter. Criteria: LabCorp Variant Classification Summary - May 2015. Collection method: clinical testing. Allele origin: germline.
Comment: Variant summary: SLC40A1 c.887G>A (p.Arg296Gln) results in a conservative amino acid change in the encoded protein sequence. Four of five in-silico tools predict a benign effect of the variant on protein function. The variant allele was found at a frequency of 1.6e-05 in 247232 control chromosomes. c.887G>A has been reported in the literature in an individual with unexplained elevation of ferritin plasma levels and mild liver and spleen overload (Majore_2018). Functional studies showed that R296Q appears to be mildly impaired both for iron binding and export function, suggesting that this substitution leads to partial loss of function, and the mutant remainted sensitive to hepcidin (Majore_2018). No clinical diagnostic laboratories have submitted clinical-significance assessments for this variant to ClinVar after 2014. Based on the evidence outlined above, the variant was classified as VUS-possibly pathogenic.

Literature cited by the submitters: PubMed 29154924 (cited by Labcorp Genetics (formerly Invitae), Labcorp and Women's Health and Genetics/Laboratory Corporation of America, LabCorp).

NM_014585.6(SLC40A1):c.887G>A (p.Arg296Gln)

Gene: SLC40A1 (solute carrier family 40 member 1; minus strand). Cytogenetic location: 2q32.2.
Variant type: single nucleotide variant.
Coding change: c.887G>A on transcript NM_014585.6 (MANE Select); coding-DNA position 887, G replaced by A.
Protein change: p.Arg296Gln; replaces arginine 296 with glutamine.
Molecular consequence: missense variant.
Genome position (GRCh38, 1-based): chr2:189,564,099, C>T on the plus strand (G>A on the coding strand, the complement: SLC40A1 is on the minus strand). VCF-style: chr2-189564099-C-T. GRCh37 (hg19) VCF-style: chr2-190428825-C-T.
Other names: short protein forms R296Q.
Identifiers: ClinVar variation 1677049 (VCV001677049.3), dbSNP rs772246537, ClinGen allele CA2024133.